The following is an entry in ClinVar:

ClinVar aggregate classification (germline): Uncertain significance. Review status: criteria provided, multiple submitters, no conflicts (2 of 4 stars). 2 submissions from 2 submitters: Uncertain significance (2). Last evaluated 2026-08-18.

Conditions:
PTPRJ-related disorder. Also called: PTPRJ-related condition.

Allele frequency attached by ClinVar (database versions not stated): 1000 Genomes Project 30x 0.00016; gnomAD 0.00018; 1000 Genomes Project 0.00020; ExAC 0.00028; TOPMed 0.00039.
gnomAD v4.1: 171 of 1,614,228 alleles (0.011%); highest among the groups gnomAD compares: Admixed American, 0.13%; 1 homozygote.

Submissions (2):

PreventionGenetics, part of Exact Sciences
Classification: Uncertain significance for PTPRJ-related condition. Last evaluated: 2026-08-18. Review status: criteria provided, single submitter. Criteria: ACMG Guidelines, 2015. Collection method: clinical testing. Allele origin: germline.
Comment: The PTPRJ c.1742C>G variant is predicted to result in the amino acid substitution p.Ser581Cys. To our knowledge, this variant has not been reported in the literature. This variant is reported in 0.11% of alleles in individuals of Latino descent in gnomAD. Although we suspect that this variant may be benign, at this time, the clinical significance of this variant is uncertain due to the absence of conclusive functional and genetic evidence.

Ambry Genetics
Classification: Uncertain significance. Last evaluated: 2024-03-01. Review status: criteria provided, single submitter. Criteria: Ambry Variant Classification Scheme 2023. Collection method: clinical testing. Allele origin: germline.

NM_002843.4(PTPRJ):c.1742C>G (p.Ser581Cys)

Gene: PTPRJ (protein tyrosine phosphatase receptor type J; plus strand). Cytogenetic location: 11p11.2.
Variant type: single nucleotide variant.
Coding change: c.1742C>G on transcript NM_002843.4 (MANE Select); coding-DNA position 1742, C replaced by G.
Protein change: p.Ser581Cys; replaces serine 581 with cysteine.
Molecular consequence: missense variant.
Genome position (GRCh38, 1-based): chr11:48,136,165, C>G. VCF-style: chr11-48136165-C-G. GRCh37 (hg19) VCF-style: chr11-48157717-C-G.
Other names: short protein forms S581C.
Identifiers: ClinVar variation 3149441 (VCV003149441.2), dbSNP rs199862481, ClinGen allele CA5982255.